The following is an entry in ClinVar:

NM_002691.4(POLD1):c.971-19G>C

Gene: POLD1 (DNA polymerase delta 1, catalytic subunit; plus strand). Cytogenetic location: 19q13.33.
Variant type: single nucleotide variant.
Coding change: c.971-19G>C on transcript NM_002691.4 (MANE Select); 19 bases into the intron before coding-DNA position 971, G replaced by C.
Molecular consequence: intron variant.
Genome position (GRCh38, 1-based): chr19:50,403,034, G>C. VCF-style: chr19-50403034-G-C. GRCh37 (hg19) VCF-style: chr19-50906291-G-C.
Other names: c.971-19G>C (NM_001256849.1, NM_001308632.1).
Identifiers: ClinVar variation 2998753 (VCV002998753.4), dbSNP rs56022846, ClinGen allele CA883216132.

ClinVar aggregate classification (germline): Likely benign. Review status: criteria provided, multiple submitters, no conflicts (2 of 4 stars). 2 submissions from 2 submitters: Likely benign (2). Last evaluated 2025-02-05.

Conditions:
POLD1-related polyposis and colorectal cancer syndrome (CRCS10). Also called: Colorectal cancer 10; COLORECTAL CANCER, SUSCEPTIBILITY TO, ON CHROMOSOME 19q; Colorectal cancer, susceptibility to, 10. Identifiers: Orphanet 220460, MedGen C2675481, MONDO:0012953, OMIM 612591.

Submissions (2):

Myriad Genetics, Inc.
Classification: Likely benign for POLD1-related polyposis and colorectal cancer syndrome. Last evaluated: 2025-02-05. Review status: criteria provided, single submitter. Criteria: Myriad Autosomal Dominant, Autosomal Recessive and X-Linked Classification Criteria (2023). Collection method: clinical testing. Allele origin: unknown.
Comment: This variant is considered likely benign. This variant is intronic and is not expected to impact mRNA splicing.

Labcorp Genetics (formerly Invitae), Labcorp
Classification: Likely benign for POLD1-related polyposis and colorectal cancer syndrome. Last evaluated: 2023-02-14. Review status: criteria provided, single submitter. Criteria: Invitae Variant Classification Sherloc (09022015). Collection method: clinical testing. Allele origin: germline.